The following is an entry in ClinVar:

NM_002591.4(PCK1):c.686T>C (p.Ile229Thr)

Gene: PCK1 (phosphoenolpyruvate carboxykinase 1; plus strand). Cytogenetic location: 20q13.31.
Variant type: single nucleotide variant.
Coding change: c.686T>C on transcript NM_002591.4 (MANE Select); coding-DNA position 686, T replaced by C.
Protein change: p.Ile229Thr; replaces isoleucine 229 with threonine.
Molecular consequence: missense variant.
Genome position (GRCh38, 1-based): chr20:57,563,103, T>C. VCF-style: chr20-57563103-T-C. GRCh37 (hg19) VCF-style: chr20-56138159-T-C.
Other names: short protein forms I229T.
Identifiers: ClinVar variation 1399369 (VCV001399369.8), dbSNP rs2070166752, ClinGen allele CA409435512.

ClinVar aggregate classification (germline): Uncertain significance (1 of 4 stars; one submission).

Allele frequency attached by ClinVar (database versions not stated): gnomAD exomes below 0.00001; TOPMed below 0.00001.
gnomAD v4.1: 1 of 1,614,086 alleles (0.000062%); highest among the groups gnomAD compares: African/African-American, 0.0013%; no homozygotes.

Submission:

Labcorp Genetics (formerly Invitae), Labcorp
Classification: Uncertain significance. Last evaluated: 2021-05-28. Review status: criteria provided, single submitter. Criteria: Invitae Variant Classification Sherloc (09022015). Collection method: clinical testing. Allele origin: germline.
Comment: In summary, the available evidence is currently insufficient to determine the role of this variant in disease. Therefore, it has been classified as a Variant of Uncertain Significance. Algorithms developed to predict the effect of missense changes on protein structure and function are either unavailable or do not agree on the potential impact of this missense change (SIFT: "Deleterious"; PolyPhen-2: "Benign"; Align-GVGD: "Class C0"). This variant has not been reported in the literature in individuals with PCK1-related conditions. This variant is not present in population databases (ExAC no frequency). This sequence change replaces isoleucine with threonine at codon 229 of the PCK1 protein (p.Ile229Thr). The isoleucine residue is moderately conserved and there is a moderate physicochemical difference between isoleucine and threonine.